The following is an entry in ClinVar:

ClinVar aggregate classification (germline): Uncertain significance. Review status: criteria provided, multiple submitters, no conflicts (2 of 4 stars). 4 submissions from 4 submitters: Uncertain significance (4). Last evaluated 2025-12-09.

Conditions:
Hereditary cancer-predisposing syndrome. Also called: Hereditary neoplastic syndrome; Tumor predisposition; Neoplastic Syndromes, Hereditary; Hereditary Cancer Syndrome. Identifiers: Orphanet 140162, MedGen C0027672, MeSH D009386, MONDO:0015356.
Fumarase deficiency (FMRD). Also called: Fumarate Hydratase Deficiency; Fumaric aciduria. Identifiers: Orphanet 24, MedGen C0342770, MONDO:0011730, OMIM 606812.

Allele frequency attached by ClinVar (database versions not stated): gnomAD exomes below 0.00001; gnomAD 0.00001.
gnomAD v4.1: 2 of 1,613,856 alleles (0.00012%); highest among the groups gnomAD compares: East Asian, 0.0022%; no homozygotes.

Submissions (4):

Labcorp Genetics (formerly Invitae), Labcorp
Classification: Uncertain significance. Last evaluated: 2025-12-09. Review status: criteria provided, single submitter. Criteria: Invitae Variant Classification Sherloc (09022015). Collection method: clinical testing. Allele origin: germline.
Comment: This sequence change replaces isoleucine, which is neutral and non-polar, with valine, which is neutral and non-polar, at codon 262 of the FH protein (p.Ile262Val). This variant is not present in population databases (gnomAD no frequency). This variant has not been reported in the literature in individuals affected with FH-related conditions. ClinVar contains an entry for this variant (Variation ID: 856040). Invitae Evidence Modeling of protein sequence and biophysical properties (such as structural, functional, and spatial information, amino acid conservation, physicochemical variation, residue mobility, and thermodynamic stability) indicates that this missense variant is not expected to disrupt FH protein function with a negative predictive value of 95%. In summary, the available evidence is currently insufficient to determine the role of this variant in disease. Therefore, it has been classified as a Variant of Uncertain Significance.

Ambry Genetics
Classification: Uncertain significance for Hereditary cancer-predisposing syndrome. Last evaluated: 2024-09-16. Review status: criteria provided, single submitter. Criteria: Ambry Variant Classification Scheme 2023. Collection method: clinical testing. Allele origin: germline.
Comment: The p.I262V variant (also known as c.784A>G), located in coding exon 6 of the FH gene, results from an A to G substitution at nucleotide position 784. The isoleucine at codon 262 is replaced by valine, an amino acid with highly similar properties. This amino acid position is well conserved in available vertebrate species. In addition, the in silico prediction for this alteration is inconclusive. Since supporting evidence is limited at this time, the clinical significance of this alteration remains unclear.

Quest Diagnostics Nichols Institute San Juan Capistrano
Classification: Uncertain significance. Last evaluated: 2024-08-01. Review status: criteria provided, single submitter. Criteria: Quest Diagnostics criteria. Collection method: clinical testing. Allele origin: unknown.
Comment: The FH c.784A>G (p.Ile262Val) variant has not been reported as a germline variant in individuals with FH-related conditions in the published literature. The frequency of this variant in the general population, 0.0000066 (1/152226 chromosomes (Genome Aggregation Database)), is uninformative in the assessment of its pathogenicity. Analysis of this variant using bioinformatics tools for the prediction of the effect of amino acid changes on protein structure and function yielded predictions that this variant is benign. Based on the available information, we are unable to determine the clinical significance of this variant.

Baylor Genetics
Classification: Uncertain significance for Fumarase deficiency. Last evaluated: 2024-01-09. Review status: criteria provided, single submitter. Criteria: ACMG Guidelines, 2015. Collection method: clinical testing. Allele origin: unknown.

Literature cited by the submitters: PubMed 32612247 (cited by Quest Diagnostics Nichols Institute San Juan Capistrano).

NM_000143.4(FH):c.784A>G (p.Ile262Val)

Gene: FH (fumarate hydratase; minus strand). Cytogenetic location: 1q43.
Variant type: single nucleotide variant.
Coding change: c.784A>G on transcript NM_000143.4 (MANE Select); coding-DNA position 784, A replaced by G.
Protein change: p.Ile262Val; replaces isoleucine 262 with valine.
Molecular consequence: missense variant.
Genome position (GRCh38, 1-based): chr1:241,506,123, T>C on the plus strand (A>G on the coding strand, the complement: FH is on the minus strand). VCF-style: chr1-241506123-T-C. GRCh37 (hg19) VCF-style: chr1-241669423-T-C.
Other names: short protein forms I262V.
Identifiers: ClinVar variation 856040 (VCV000856040.13), dbSNP rs199829765, ClinGen allele CA40328243.